The following is an entry in ClinVar:

ClinVar aggregate classification (germline): Benign/Likely benign. Review status: criteria provided, multiple submitters, no conflicts (2 of 4 stars). 7 submissions from 7 submitters: Benign (2); Likely benign (2). 3 of the submissions do not count toward it. Last evaluated 2026-01-28.

Conditions:
NEBL-related disorder. Also called: NEBL-related condition.
Primary dilated cardiomyopathy (DCM). Also called: Dilated Cardiomyopathy. Identifiers: Orphanet 217604, MedGen C0007193, MeSH D002311, MONDO:0005021, HP:0001644. Inheritance: Various modes of inheritance.

Allele frequency attached by ClinVar (database versions not stated): ExAC 0.00012; TOPMed 0.00013; gnomAD exomes 0.00014 and 0.00035; 1000 Genomes Project 30x 0.00016; gnomAD 0.00017 and 0.00018; 1000 Genomes Project 0.00020; ESP Exome Variant Server 0.00046.
gnomAD v4.1: 527 of 1,610,756 alleles (0.033%); highest among the groups gnomAD compares: Non-Finnish European, 0.044%; 1 homozygote.

Submissions (7):

Labcorp Genetics (formerly Invitae), Labcorp
Classification: Likely benign for Primary dilated cardiomyopathy. Last evaluated: 2026-01-28. Review status: criteria provided, single submitter. Criteria: Invitae Variant Classification Sherloc (09022015). Collection method: clinical testing. Allele origin: germline.

Women's Health and Genetics/Laboratory Corporation of America, LabCorp
Classification: Benign. Last evaluated: 2024-12-06. Review status: criteria provided, single submitter. Criteria: LabCorp Variant Classification Summary - May 2015. Collection method: clinical testing. Allele origin: germline.

Ambry Genetics
Classification: Likely benign. Last evaluated: 2022-03-03. Review status: criteria provided, single submitter. Criteria: Ambry Variant Classification Scheme 2023. Collection method: clinical testing. Allele origin: germline.

GeneDx
Classification: Benign. Last evaluated: 2014-08-08. Review status: criteria provided, single submitter. Criteria: GeneDx Variant Classification (06012015). Collection method: clinical testing. Allele origin: germline. Affected: yes.
Comment: This variant is considered likely benign or benign based on one or more of the following criteria: it is a conservative change, it occurs at a poorly conserved position in the protein, it is predicted to be benign by multiple in silico algorithms, and/or has population frequency not consistent with disease.

PreventionGenetics, part of Exact Sciences
Classification: Likely benign for NEBL-related condition. Last evaluated: 2019-10-28. Review status: no assertion criteria provided. Collection method: clinical testing. Allele origin: germline. Not counted in ClinVar's aggregate classification.
Comment: This variant is classified as likely benign based on ACMG/AMP sequence variant interpretation guidelines (Richards et al. 2015 PMID: 25741868, with internal and published modifications).

Clinical Genetics DNA and cytogenetics Diagnostics Lab, Erasmus MC, Erasmus Medical Center
Classification: Likely benign. Review status: no assertion criteria provided. Collection method: clinical testing. Allele origin: germline. Affected: yes. Study: VKGL Data-share Consensus. Not counted in ClinVar's aggregate classification.

Genome Diagnostics Laboratory, University Medical Center Utrecht
Classification: Likely benign. Review status: no assertion criteria provided. Collection method: clinical testing. Allele origin: germline. Affected: yes. Study: VKGL Data-share Consensus. Not counted in ClinVar's aggregate classification.

NM_006393.3(NEBL):c.2307T>C (p.Ala769=)

Gene: NEBL (nebulette; minus strand). Cytogenetic location: 10p12.31.
Variant type: single nucleotide variant.
Coding change: c.2307T>C on transcript NM_006393.3 (MANE Select); coding-DNA position 2307, T replaced by C.
Protein change: p.Ala769=; no amino-acid change (alanine 769 retained).
Molecular consequence: synonymous variant. On other transcripts: intron variant (9).
Genome position (GRCh38, 1-based): chr10:20,813,978, A>G on the plus strand (T>C on the coding strand, the complement: NEBL is on the minus strand). VCF-style: chr10-20813978-A-G. GRCh37 (hg19) VCF-style: chr10-21102907-A-G.
Other names: p.A769A:GCT>GCC; c.250-1038T>C (NM_001377326.1, NM_001377327.1, NM_001377328.1); c.358-1038T>C (NM_213569.2, NM_001173484.2, NM_001377322.1); c.301-1038T>C (NM_001377324.1); c.292-1038T>C (NM_001377325.1); c.310-1038T>C (NM_001377323.1).
Identifiers: ClinVar variation 201899 (VCV000201899.19), dbSNP rs144815863, ClinGen allele CA335340.
Genomic context (GRCh38, chr10:20,813,978, plus strand): 5'-AATGATCTGGTTGGACCCTACCATTGAAATATGATTTTGTGCTTCTTTAACATGTCTCAT[A>G]GCAGGTGTATCTAAAATCAGACTTGGTCTACCTTTCATCTGTTTATGGTCCTGGGTATAT-3'
Protein context (NP_006384.1, residues 759-779): GRPSLILDTP[Ala769=]MRHVKEAQNH